The following is an entry in ClinVar:

ClinVar aggregate classification (germline): Likely pathogenic (1 of 4 stars; one submission).

Conditions:
Mosaic variegated aneuploidy syndrome 3 (MVA3). Identifiers: MedGen C4539839, MONDO:0054736, OMIM 617598.

Submission:

Diagnostics Services (NGS), CSIR - Centre For Cellular And Molecular Biology
Classification: Likely pathogenic for Mosaic variegated aneuploidy syndrome 3. Last evaluated: 2025-07-11. Review status: criteria provided, single submitter. Criteria: ACMG Guidelines, 2015. Collection method: clinical testing. Allele origin: germline. Affected: yes. Observed: 1 variant allele, 1 homozygote.
Comment: The c.1021-1G>C variant is not present in publicly available population databases like 1000 Genomes, EVS, gnomAD, Indian Exome Database or our internal database. This variant has neither been published in the literature nor reported to clinical databases like Human Genome Mutation Database (HGMD), ClinVar or OMIM, in any affected individuals. Algorithms developed to predict the effect of sequence changes on RNA splicing suggest that this variant may disrupt the consensus splice site. In-silico pathogenicity prediction programs like HSF3.1, MutationTaster2021, CADD, Franklin, Varsome, etc, predicted this variant to be likely deleterious; however, these predictions were not confirmed by any published functional/translational studies.

NM_004237.4(TRIP13):c.1021-1G>C

Gene: TRIP13 (thyroid hormone receptor interactor 13; plus strand). Cytogenetic location: 5p15.33.
Variant type: single nucleotide variant.
Coding change: c.1021-1G>C on transcript NM_004237.4 (MANE Select); the canonical splice acceptor site of the intron before coding-DNA position 1021, G replaced by C.
Molecular consequence: splice acceptor variant.
Genome position (GRCh38, 1-based): chr5:914,464, G>C. VCF-style: chr5-914464-G-C. GRCh37 (hg19) VCF-style: chr5-914579-G-C.
Identifiers: ClinVar variation 4070948 (VCV004070948.1).